The following is an entry in ClinVar:

NM_000797.4(DRD4):c.1194C>T (p.Val398=)

Gene: DRD4 (dopamine receptor D4; plus strand). Cytogenetic location: 11p15.5.
Variant type: single nucleotide variant.
Coding change: c.1194C>T on transcript NM_000797.4 (MANE Select); coding-DNA position 1194, C replaced by T.
Protein change: p.Val398=; no amino-acid change (valine 398 retained).
Molecular consequence: synonymous variant.
Genome position (GRCh38, 1-based): chr11:640,537, C>T. VCF-style: chr11-640537-C-T. GRCh37 (hg19) VCF-style: chr11-640537-C-T.
Identifiers: ClinVar variation 761438 (VCV000761438.28), dbSNP rs373242165, ClinGen allele CA5786013.

ClinVar aggregate classification (germline): Likely benign. Review status: criteria provided, multiple submitters, no conflicts (2 of 4 stars). 3 submissions from 3 submitters: Likely benign (2). 1 of the submissions does not count toward it. Last evaluated 2022-05-01.

Conditions:
DRD4-related disorder. Also called: DRD4-related condition.

Allele frequency attached by ClinVar (database versions not stated): TOPMed 0.00006; gnomAD 0.00008 and 0.00009; gnomAD exomes 0.00010 and 0.00011; ESP Exome Variant Server 0.00015; ExAC 0.00016.
gnomAD v4.1: 155 of 1,596,260 alleles (0.0097%); highest among the groups gnomAD compares: Admixed American, 0.02%; no homozygotes.

Submissions (3):

CeGaT Center for Human Genetics Tuebingen
Classification: Likely benign. Last evaluated: 2022-05-01. Review status: criteria provided, single submitter. Criteria: CeGaT Center For Human Genetics Tuebingen Variant Classification Criteria Version 2. Collection method: clinical testing. Allele origin: germline. Affected: yes. Observed: 1 variant allele.
Comment: DRD4: BP4, BP7

Labcorp Genetics (formerly Invitae), Labcorp
Classification: Likely benign. Last evaluated: 2018-08-08. Review status: criteria provided, single submitter. Criteria: Invitae Variant Classification Sherloc (09022015). Collection method: clinical testing. Allele origin: germline.

PreventionGenetics, part of Exact Sciences
Classification: Likely benign for DRD4-related condition. Last evaluated: 2019-04-29. Review status: no assertion criteria provided. Collection method: clinical testing. Allele origin: germline. Not counted in ClinVar's aggregate classification.
Comment: This variant is classified as likely benign based on ACMG/AMP sequence variant interpretation guidelines (Richards et al. 2015 PMID: 25741868, with internal and published modifications).